The following is an entry in ClinVar:

ClinVar aggregate classification (germline): Uncertain significance (1 of 4 stars; one submission).

gnomAD v4.1: 1 of 1,614,016 alleles (0.000062%); highest among the groups gnomAD compares: Non-Finnish European, 0.000085%; no homozygotes.

Submission:

CeGaT Center for Human Genetics Tuebingen
Classification: Uncertain significance. Last evaluated: 2024-11-01. Review status: criteria provided, single submitter. Criteria: CeGaT Center For Human Genetics Tuebingen Variant Classification Criteria Version 2. Collection method: clinical testing. Allele origin: germline. Affected: yes. Observed: 1 variant allele.
Comment: RORC: PM2

NM_005060.4(RORC):c.1323G>T (p.Gln441His)

Gene: RORC (RAR related orphan receptor C; minus strand). Cytogenetic location: 1q21.3.
Variant type: single nucleotide variant.
Coding change: c.1323G>T on transcript NM_005060.4 (MANE Select); coding-DNA position 1323, G replaced by T.
Protein change: p.Gln441His; replaces glutamine 441 with histidine.
Molecular consequence: missense variant.
Genome position (GRCh38, 1-based): chr1:151,811,397, C>A on the plus strand (G>T on the coding strand, the complement: RORC is on the minus strand). VCF-style: chr1-151811397-C-A. GRCh37 (hg19) VCF-style: chr1-151783873-C-A.
Other names: c.1260G>T, p.Gln420His (NM_001001523.2); short protein forms Q420H, Q441H.
Identifiers: ClinVar variation 3388765 (VCV003388765.14).